The following is an entry in ClinVar:

ClinVar aggregate classification (germline): Uncertain significance (1 of 4 stars; one submission).

Submission:

GeneDx
Classification: Uncertain significance. Last evaluated: 2021-01-06. Review status: criteria provided, single submitter. Criteria: GeneDx Variant Classification Process June 2021. Collection method: clinical testing. Allele origin: germline. Affected: yes.
Comment: Not observed in large population cohorts (Lek et al., 2016); In silico analysis supports that this missense variant does not alter protein structure/function; Has not been previously published as pathogenic or benign to our knowledge

NM_016239.4(MYO15A):c.560T>G (p.Leu187Arg)

Gene: MYO15A (myosin XVA; plus strand). Cytogenetic location: 17p11.2.
Variant type: single nucleotide variant.
Coding change: c.560T>G on transcript NM_016239.4 (MANE Select); coding-DNA position 560, T replaced by G.
Protein change: p.Leu187Arg; replaces leucine 187 with arginine.
Molecular consequence: missense variant.
Genome position (GRCh38, 1-based): chr17:18,119,360, T>G. VCF-style: chr17-18119360-T-G. GRCh37 (hg19) VCF-style: chr17-18022674-T-G.
Other names: short protein forms L187R.
Identifiers: ClinVar variation 1313780 (VCV001313780.2), dbSNP rs2142239783, ClinGen allele CA398573919.